The following is an entry in ClinVar:

NM_004656.4(BAP1):c.335T>G (p.Leu112Arg)

Gene: BAP1 (BRCA1 associated deubiquitinase 1; minus strand). Cytogenetic location: 3p21.1.
Variant type: single nucleotide variant.
Coding change: c.335T>G on transcript NM_004656.4 (MANE Select); coding-DNA position 335, T replaced by G.
Protein change: p.Leu112Arg; replaces leucine 112 with arginine.
Molecular consequence: missense variant.
Genome position (GRCh38, 1-based): chr3:52,407,998, A>C on the plus strand (T>G on the coding strand, the complement: BAP1 is on the minus strand). VCF-style: chr3-52407998-A-C. GRCh37 (hg19) VCF-style: chr3-52442014-A-C.
Other names: c.335T>G, p.Leu112Arg (NM_001410772.1); short protein forms L112R.
Identifiers: ClinVar variation 3019678 (VCV003019678.3), dbSNP rs2153228099, ClinGen allele CA353112051.

ClinVar aggregate classification (germline): Uncertain significance (1 of 4 stars; one submission).

Conditions:
BAP1-related tumor predisposition syndrome (TPDS1). Also called: BAP1 tumor predisposition syndrome; Tumor susceptibility linked to germline BAP1 mutations; COMMON Syndrome; TUMOR PREDISPOSITION SYNDROME 1. Identifiers: Orphanet 289539, MedGen C3280492, MONDO:0013692, OMIM 614327.

Submission:

Labcorp Genetics (formerly Invitae), Labcorp
Classification: Uncertain significance for BAP1-related tumor predisposition syndrome. Last evaluated: 2024-04-15. Review status: criteria provided, single submitter. Criteria: Invitae Variant Classification Sherloc (09022015). Collection method: clinical testing. Allele origin: germline.
Comment: This sequence change replaces leucine, which is neutral and non-polar, with arginine, which is basic and polar, at codon 112 of the BAP1 protein (p.Leu112Arg). This variant is not present in population databases (gnomAD no frequency). This variant has not been reported in the literature in individuals affected with BAP1-related conditions. Advanced modeling of protein sequence and biophysical properties (such as structural, functional, and spatial information, amino acid conservation, physicochemical variation, residue mobility, and thermodynamic stability) has been performed at Invitae for this missense variant, however the output from this modeling did not meet the statistical confidence thresholds required to predict the impact of this variant on BAP1 protein function. In summary, the available evidence is currently insufficient to determine the role of this variant in disease. Therefore, it has been classified as a Variant of Uncertain Significance.